The following is an entry in ClinVar:

NM_001386795.1(DTNA):c.535A>G (p.Thr179Ala)

Gene: DTNA (dystrobrevin alpha; plus strand). Cytogenetic location: 18q12.1.
Variant type: single nucleotide variant.
Coding change: c.535A>G on transcript NM_001386795.1 (MANE Select); coding-DNA position 535, A replaced by G.
Protein change: p.Thr179Ala; replaces threonine 179 with alanine.
Molecular consequence: missense variant.
Genome position (GRCh38, 1-based): chr18:34,812,045, A>G. VCF-style: chr18-34812045-A-G. GRCh37 (hg19) VCF-style: chr18-32392009-A-G.
Other names: c.535A>G, p.Thr179Ala (NM_001128175.2, NM_001198938.2, NM_001198939.2 and 35 more transcripts); short protein forms T179A.
Identifiers: ClinVar variation 2882143 (VCV002882143.3), dbSNP rs763464119, ClinGen allele CA8935400.
Genomic context (GRCh38, chr18:34,812,045, plus strand): 5'-AGTGGGGTGATGGTTTATGGACGATATGACCAATTCCTTCGGGAAGTTCTCAAACTACCC[A>G]CGGCAGTTTTTGAAGGTCCTTCATTTGGTTACACAGAACAGTCAGCCAGATCCTGTTTCT-3'
Protein context (NP_001373724.1, residues 169-189): QFLREVLKLP[Thr179Ala]AVFEGPSFGY

ClinVar aggregate classification (germline): Uncertain significance (1 of 4 stars; one submission).

Conditions:
Left ventricular noncompaction 1 (LVNC1). Also called: LEFT VENTRICULAR NONCOMPACTION 1 WITH OR WITHOUT CONGENITAL HEART DEFECTS. Identifiers: Orphanet 54260, MedGen C1858725, MONDO:0011403, OMIM 604169.

Allele frequency attached by ClinVar (database versions not stated): gnomAD exomes below 0.00001; ExAC 0.00001.
gnomAD v4.1: 2 of 1,614,094 alleles (0.00012%); highest among the groups gnomAD compares: South Asian, 0.0011%; no homozygotes.

Submission:

Labcorp Genetics (formerly Invitae), Labcorp
Classification: Uncertain significance for Left ventricular noncompaction 1. Last evaluated: 2023-11-03. Review status: criteria provided, single submitter. Criteria: Invitae Variant Classification Sherloc (09022015). Collection method: clinical testing. Allele origin: germline.
Comment: This sequence change replaces threonine, which is neutral and polar, with alanine, which is neutral and non-polar, at codon 179 of the DTNA protein (p.Thr179Ala). This variant is present in population databases (rs763464119, gnomAD 0.003%). This variant has not been reported in the literature in individuals affected with DTNA-related conditions. Advanced modeling of protein sequence and biophysical properties (such as structural, functional, and spatial information, amino acid conservation, physicochemical variation, residue mobility, and thermodynamic stability) performed at Invitae indicates that this missense variant is not expected to disrupt DTNA protein function with a negative predictive value of 80%. In summary, the available evidence is currently insufficient to determine the role of this variant in disease. Therefore, it has been classified as a Variant of Uncertain Significance.